The following is an entry in ClinVar:

ClinVar aggregate classification (germline): Uncertain significance (1 of 4 stars; one submission).

Submission:

GeneDx
Classification: Uncertain significance. Last evaluated: 2019-12-09. Review status: criteria provided, single submitter. Criteria: GeneDx Variant Classification Process June 2021. Collection method: clinical testing. Allele origin: germline. Affected: yes.
Comment: Has not been previously published as pathogenic or benign to our knowledge; Not observed in large population cohorts (Lek et al., 2016); In silico analysis, which includes protein predictors and evolutionary conservation, supports that this variant does not alter protein structure/function

NM_000393.5(COL5A2):c.1397A>C (p.Gln466Pro)

Gene: COL5A2 (collagen type V alpha 2 chain; minus strand). Cytogenetic location: 2q32.2.
Variant type: single nucleotide variant.
Coding change: c.1397A>C on transcript NM_000393.5 (MANE Select); coding-DNA position 1397, A replaced by C.
Protein change: p.Gln466Pro; replaces glutamine 466 with proline.
Molecular consequence: missense variant.
Genome position (GRCh38, 1-based): chr2:189,068,019, T>G on the plus strand (A>C on the coding strand, the complement: COL5A2 is on the minus strand). VCF-style: chr2-189068019-T-G. GRCh37 (hg19) VCF-style: chr2-189932745-T-G.
Other names: short protein forms Q466P.
Identifiers: ClinVar variation 1310925 (VCV001310925.2), dbSNP rs1021216183, ClinGen allele CA349852563.